The following is an entry in ClinVar:

NM_001034853.2(RPGR):c.2595_2612del (p.Gly867_Glu872del)

Gene: RPGR (retinitis pigmentosa GTPase regulator; minus strand). Cytogenetic location: Xp11.4.
Variant type: Deletion.
Coding change: c.2595_2612del on transcript NM_001034853.2 (MANE Select); coding-DNA positions 2595 to 2612, 18 bases deleted (AGAAGGGGAGGAAGAAGG).
Protein change: p.Gly867_Glu872del.
Molecular consequence: inframe deletion. On other transcripts: intron variant (8).
Genome position (GRCh38, 1-based): chrX:38,286,387-38,286,404, CCTTCTTCCTCCCCTTCT deleted on the plus strand (AGAAGGGGAGGAAGAAGG on the coding strand, the reverse complement: RPGR is on the minus strand); deleting any 18 consecutive bases within chrX:38,286,387-38,286,413 gives the same sequence; the c. name uses the placement nearest the transcript's 3' end. VCF-style (leftmost placement, unchanged base first): chrX-38286386-CCCTTCTTCCTCCCCTTCT-C. GRCh37 (hg19) VCF-style: chrX-38145639-CCCTTCTTCCTCCCCTTCT-C.
Other names: c.1569+4555_1569+4572del (NM_001367249.1, NM_001367250.1); c.1902+690_1902+707del (NM_001367245.1); c.1386+4555_1386+4572del (NM_001367251.1); c.1719+690_1719+707del (NM_001367246.1); c.1572+4555_1572+4572del (NM_001367247.1); c.1905+690_1905+707del (NM_000328.3); c.1602+4555_1602+4572del (NM_001367248.1).
Identifiers: ClinVar variation 2118517 (VCV002118517.4), dbSNP rs2519789062, ClinGen allele CA2580100894.

ClinVar aggregate classification (germline): Uncertain significance (1 of 4 stars; one submission).

Conditions:
Primary ciliary dyskinesia. Also called: Ciliary dyskinesia. Identifiers: Orphanet 244, MedGen C0008780, MONDO:0016575, HP:0012265.

Submission:

Labcorp Genetics (formerly Invitae), Labcorp
Classification: Uncertain significance for Primary ciliary dyskinesia. Last evaluated: 2022-03-27. Review status: criteria provided, single submitter. Criteria: Invitae Variant Classification Sherloc (09022015). Collection method: clinical testing. Allele origin: germline.
Comment: Experimental studies and prediction algorithms are not available or were not evaluated, and the functional significance of this variant is currently unknown. This variant has not been reported in the literature in individuals affected with RPGR (ORF15)-related conditions. The frequency data for this variant in the population databases is considered unreliable, as metrics indicate insufficient coverage at this position in the gnomAD database. This variant, c.2595_2612del, results in the deletion of 6 amino acid(s) of the RPGR (ORF15) protein (p.Gly867_Glu872del), but otherwise preserves the integrity of the reading frame. In summary, the available evidence is currently insufficient to determine the role of this variant in disease. Therefore, it has been classified as a Variant of Uncertain Significance.